The following is an entry in ClinVar:

NM_005228.5(EGFR):c.628+3A>G

Gene: EGFR (epidermal growth factor receptor; plus strand). Cytogenetic location: 7p11.2.
Variant type: single nucleotide variant.
Coding change: c.628+3A>G on transcript NM_005228.5 (MANE Select); 3 bases into the intron after coding-DNA position 628, A replaced by G.
Molecular consequence: intron variant.
Genome position (GRCh38, 1-based): chr7:55,151,365, A>G. VCF-style: chr7-55151365-A-G. GRCh37 (hg19) VCF-style: chr7-55219058-A-G.
Other names: c.628+3A>G (NM_005228.3, NM_001346898.2, NM_201284.2 and 2 more transcripts); c.493+3A>G (NM_001346899.2, NM_001346897.2); c.89-4465A>G (NM_001346941.2); c.469+3A>G (NM_001346900.2).
Identifiers: ClinVar variation 3019805 (VCV003019805.4), dbSNP rs2128932654, ClinGen allele CA2714936124.

ClinVar aggregate classification (germline): Uncertain significance. Review status: criteria provided, multiple submitters, no conflicts (2 of 4 stars). 2 submissions from 2 submitters: Uncertain significance (2). Last evaluated 2026-07-31.

Conditions:
EGFR-related lung cancer (EGFR). Identifiers: MedGen CN130014.
Hereditary cancer-predisposing syndrome. Also called: Hereditary Cancer Syndrome; Hereditary neoplastic syndrome; Neoplastic Syndromes, Hereditary; Tumor predisposition. Identifiers: Orphanet 140162, MedGen C0027672, MeSH D009386, MONDO:0015356.

Submissions (2):

Ambry Genetics
Classification: Uncertain significance for Hereditary cancer-predisposing syndrome. Last evaluated: 2026-07-31. Review status: criteria provided, single submitter. Criteria: Ambry Variant Classification Scheme 2023. Collection method: clinical testing. Allele origin: germline.
Comment: The c.628+3A>G intronic variant results from an A to G substitution 3 nucleotides after coding exon 5 in the EGFR gene. This nucleotide position is not well conserved in available vertebrate species. In silico splice site analysis for this alteration is inconclusive. Based on the available evidence, the clinical significance of this variant remains unclear.

Labcorp Genetics (formerly Invitae), Labcorp
Classification: Uncertain significance for EGFR-related lung cancer. Last evaluated: 2023-08-16. Review status: criteria provided, single submitter. Criteria: Invitae Variant Classification Sherloc (09022015). Collection method: clinical testing. Allele origin: germline.
Comment: In summary, the available evidence is currently insufficient to determine the role of this variant in disease. Therefore, it has been classified as a Variant of Uncertain Significance. This sequence change falls in intron 5 of the EGFR gene. It does not directly change the encoded amino acid sequence of the EGFR protein. It affects a nucleotide within the consensus splice site. This variant is not present in population databases (gnomAD no frequency). This variant has not been reported in the literature in individuals affected with EGFR-related conditions. Variants that disrupt the consensus splice site are a relatively common cause of aberrant splicing (PMID: 17576681, 9536098). Algorithms developed to predict the effect of sequence changes on RNA splicing suggest that this variant is not likely to affect RNA splicing.

Literature cited by the submitters: PubMed 17576681 (cited by Labcorp Genetics (formerly Invitae), Labcorp); PubMed 9536098 (cited by Labcorp Genetics (formerly Invitae), Labcorp).